The following is an entry in ClinVar:

NM_001193315.2(VIPAS39):c.1081A>G (p.Thr361Ala)

Gene: VIPAS39 (VPS33B interacting protein, apical-basolateral polarity regulator, spe-39 homolog; minus strand). Cytogenetic location: 14q24.3.
Variant type: single nucleotide variant.
Coding change: c.1081A>G on transcript NM_001193315.2 (MANE Select); coding-DNA position 1081, A replaced by G.
Protein change: p.Thr361Ala; replaces threonine 361 with alanine.
Molecular consequence: missense variant.
Genome position (GRCh38, 1-based): chr14:77,434,270, T>C on the plus strand (A>G on the coding strand, the complement: VIPAS39 is on the minus strand). VCF-style: chr14-77434270-T-C. GRCh37 (hg19) VCF-style: chr14-77900613-T-C.
Other names: c.1081A>G, p.Thr361Ala (NM_001193314.2, NM_001193317.2, NM_022067.4); c.934A>G, p.Thr312Ala (NM_001193316.2); c.1081A>G (NM_001193314.1, NM_022067.3); short protein forms T361A, T312A.
Identifiers: ClinVar variation 285416 (VCV000285416.11), dbSNP rs201857750, ClinGen allele CA7287843.
Genomic context (GRCh38, chr14:77,434,270, plus strand): 5'-CATGTAGTTACCCTGATCACTAGTTTCATAACACTGACCAATTTGTATCTACCTTAAATG[T>C]CTTCTTCAGGTTGACGGGACTGCTGAATGTCCCCTAGGATGAAAGTGAAAAAGGAACTTT-3'
Protein context (NP_001180244.1, residues 351-371): TFSSPVNLKK[Thr361Ala]FKIPDKQYVL

ClinVar aggregate classification (germline): Uncertain significance. Review status: criteria provided, multiple submitters, no conflicts (2 of 4 stars). 5 submissions from 5 submitters: Uncertain significance (5). Last evaluated 2026-03-25.

Conditions:
VIPAS39-related disorder. Also called: VIPAS39-related condition.
Inborn genetic diseases. Identifiers: MedGen C0950123, MeSH D030342.

Allele frequency attached by ClinVar (database versions not stated): TOPMed 0.00017; gnomAD exomes 0.00023 and 0.00013; ESP Exome Variant Server 0.00008; gnomAD 0.00014; ExAC 0.00017.
gnomAD v4.1: 344 of 1,614,012 alleles (0.021%); highest among the groups gnomAD compares: Non-Finnish European, 0.028%; no homozygotes.

Submissions (5):

PreventionGenetics, part of Exact Sciences
Classification: Uncertain significance for VIPAS39-related condition. Last evaluated: 2026-03-25. Review status: criteria provided, single submitter. Criteria: ACMG Guidelines, 2015. Collection method: clinical testing. Allele origin: germline.
Comment: The VIPAS39 c.1081A>G variant is predicted to result in the amino acid substitution p.Thr361Ala. To our knowledge, this variant has not been reported in the literature. This variant is reported in 0.027% of alleles in individuals of European (Non-Finnish) descent in gnomAD. At this time, the clinical significance of this variant is uncertain due to the absence of conclusive functional and genetic evidence.

Ambry Genetics
Classification: Uncertain significance for Inborn genetic diseases. Last evaluated: 2025-05-20. Review status: criteria provided, single submitter. Criteria: Ambry Variant Classification Scheme 2023. Collection method: clinical testing. Allele origin: germline.

GeneDx
Classification: Uncertain significance. Last evaluated: 2023-03-07. Review status: criteria provided, single submitter. Criteria: GeneDx Variant Classification Process June 2021. Collection method: clinical testing. Allele origin: germline. Affected: yes.
Comment: In silico analysis supports that this missense variant does not alter protein structure/function; Has not been previously published as pathogenic or benign to our knowledge

Labcorp Genetics (formerly Invitae), Labcorp
Classification: Uncertain significance. Last evaluated: 2022-09-28. Review status: criteria provided, single submitter. Criteria: Invitae Variant Classification Sherloc (09022015). Collection method: clinical testing. Allele origin: germline.
Comment: This sequence change replaces threonine, which is neutral and polar, with alanine, which is neutral and non-polar, at codon 361 of the VIPAS39 protein (p.Thr361Ala). This variant is present in population databases (rs201857750, gnomAD 0.03%). This variant has not been reported in the literature in individuals affected with VIPAS39-related conditions. ClinVar contains an entry for this variant (Variation ID: 285416). Advanced modeling of protein sequence and biophysical properties (such as structural, functional, and spatial information, amino acid conservation, physicochemical variation, residue mobility, and thermodynamic stability) performed at Invitae indicates that this missense variant is not expected to disrupt VIPAS39 protein function. In summary, the available evidence is currently insufficient to determine the role of this variant in disease. Therefore, it has been classified as a Variant of Uncertain Significance.

Eurofins Ntd Llc (ga)
Classification: Uncertain significance. Last evaluated: 2018-06-11. Review status: criteria provided, single submitter. Criteria: EGL ClinVar v180209 classification definitions. Collection method: clinical testing. Allele origin: germline. Observed: 6 variant alleles, 6 heterozygotes.